The following is an entry in ClinVar:

ClinVar aggregate classification (germline): Uncertain significance (1 of 4 stars; one submission).

Conditions:
Dyskeratosis congenita, autosomal dominant 1 (DKCA1). Also called: Dyskeratosis congenita Scoggins type. Identifiers: Orphanet 1775, MedGen C4551974, MONDO:0007485, OMIM 127550. Inheritance: Variable.

Submission:

Labcorp Genetics (formerly Invitae), Labcorp
Classification: Uncertain significance for Dyskeratosis congenita, autosomal dominant 1. Last evaluated: 2023-03-21. Review status: criteria provided, single submitter. Criteria: Invitae Variant Classification Sherloc (09022015). Collection method: clinical testing. Allele origin: germline.
Comment: In summary, the available evidence is currently insufficient to determine the role of this variant in disease. Therefore, it has been classified as a Variant of Uncertain Significance. This variant is located within the conserved regions 4 and 5 (CR4-CR5) domain of the TERC RNA component, which is required for telomerase activity (PMID: 15082312, 21844345). This variant has not been reported in the literature in individuals affected with TERC-related conditions. This variant is not present in population databases (gnomAD no frequency). This variant occurs in the TERC gene, which encodes an RNA molecule that does not result in a protein product.

Literature cited by the submitters: PubMed 15082312; PubMed 21844345.

NC_000003.12:g.169764777G>T

Genes: TERC (telomerase RNA component; minus strand), LOC110806306 (telomerase RNA component (TERC) promoter; plus strand). Cytogenetic location: 3q26.2.
Variant type: single nucleotide variant.
Genome position: GRCh38 VCF-style: chr3-169764777-G-T. GRCh37 (hg19) VCF-style: chr3-169482565-G-T.
Identifiers: ClinVar variation 2847940 (VCV002847940.3), dbSNP rs1577384177, ClinGen allele CA436715163.